The following continues an entry in ClinVar:

NM_000492.4(CFTR):c.125C>T (p.Ser42Phe)

Gene: CFTR. ClinVar aggregate classification (germline): Conflicting classifications of pathogenicity. Uncertain significance (15); Likely benign (1).

Submissions 8 to 18 of 18:

Quest Diagnostics Nichols Institute San Juan Capistrano
Classification: Uncertain significance. Last evaluated: 2024-01-30. Review status: criteria provided, single submitter. Criteria: Quest Diagnostics criteria. Collection method: clinical testing. Allele origin: unknown.
Comment: The CFTR c.125C>T (p.Ser42Phe) variant has been reported in the published literature in individuals affected with CF or a CFTR-related disease (PMIDs: 28603918 (2017), 28544683 (2017), 23276700 (2013), 16801189 (2006), 15084222 (2004)), however the information is limited. The frequency of this variant in the general population, 0.00025 (28/113282 chromosomes (Genome Aggregation Database)), is uninformative in the assessment of its pathogenicity. Analysis of this variant using bioinformatics tools for the prediction of the effect of amino acid changes on protein structure and function yielded conflicting predictions that this variant is deleterious or benign. Based on the available information, we are unable to determine the clinical significance of this variant.

PreventionGenetics, part of Exact Sciences
Classification: Uncertain significance for CFTR-related condition. Last evaluated: 2023-03-21. Review status: criteria provided, single submitter. Criteria: ACMG Guidelines, 2015. Collection method: clinical testing. Allele origin: germline.
Comment: The CFTR c.125C>T variant is predicted to result in the amino acid substitution p.Ser42Phe. This variant has been documented in cohorts of patients with infertility (Chamayou et al. 2020. Pub Med ID: 32357917; Oud et al. 2017. PubMed ID: 28801929), pancreatitis (Chang et al. 2015. PubMed ID: 25869325), cystic fibrosis (Soltysova et al. 2017. PubMed ID: 28544683; Ferec et al. 1995. PubMed ID: 7541510), and abnormal sweat chloride testing (Padoan et al. 2006. PubMed ID: 16801189). However, this variant has also been documented both in cis with a CFTR nonsense variant and in trans with the p.Phe508del variants in unaffected inviduals (Křenková et al. 2013. PubMed ID: 23276700; McWilliams et al. 2010. PubMed ID: 19885835). This variant is reported in 0.025% of alleles in individuals of European (Non-Finnish) descent in gnomAD, including a homozygous individual. This variant has been interpreted by multiple submitters in ClinVar as uncertain. At this time, the clinical significance of this variant is uncertain due to the absence of conclusive functional and genetic evidence.

Revvity Omics, Revvity
Classification: Uncertain significance. Last evaluated: 2022-09-19. Review status: criteria provided, single submitter. Criteria: ACMG Guidelines, 2015. Collection method: clinical testing. Allele origin: germline.

Mayo Clinic Laboratories, Mayo Clinic
Classification: Uncertain significance. Last evaluated: 2022-03-30. Review status: criteria provided, single submitter. Criteria: ACMG Guidelines, 2015. Collection method: clinical testing. Allele origin: germline. Observed: 1 variant allele.
Comment: BP2

Fulgent Genetics
Classification: Uncertain significance for Hereditary pancreatitis; Bronchiectasis with or without elevated sweat chloride 1; Cystic fibrosis; Congenital bilateral aplasia of vas deferens from CFTR mutation. Last evaluated: 2022-02-28. Review status: criteria provided, single submitter. Criteria: ACMG Guidelines, 2015. Collection method: clinical testing. Allele origin: unknown.

Genome-Nilou Lab
Classification: Uncertain significance for Cystic fibrosis. Last evaluated: 2021-09-05. Review status: criteria provided, single submitter. Criteria: ACMG Guidelines, 2015. Collection method: clinical testing. Allele origin: germline. Affected: no.

GeneDx
Classification: Uncertain significance. Last evaluated: 2021-03-30. Review status: criteria provided, single submitter. Criteria: GeneDx Variant Classification Process June 2021. Collection method: clinical testing. Allele origin: germline. Affected: yes.
Comment: Observed in individuals with cystic fibrosis without a second variant reported (Ferec 1995, D'Apice 2004, Lucarelli 2015, Soltysova 2018); Observed with a pathogenic variant on the same allele (in cis) in published literature (Krenkova 2013); Observed with a pathogenic variant on the opposite allele (in trans) in a patient without cystic fibrosis in published literature (McWilliams 2010); In silico analysis supports that this missense variant has a deleterious effect on protein structure/function; This variant is associated with the following publications: (PMID: 12007216, 19885835, 15084222, 15536480, 16251901, 7541510, 25869325, 25735457, 25087612, 25910067, 16126774, 16801189, 19652440, 19897426, 23276700, 28544683)

Eurofins Ntd Llc (ga)
Classification: Uncertain significance. Last evaluated: 2018-06-29. Review status: criteria provided, single submitter. Criteria: EGL ClinVar v180209 classification definitions. Collection method: clinical testing. Allele origin: germline. Observed: 2 variant alleles, 2 heterozygotes.

Illumina Laboratory Services, Illumina
Classification: Uncertain significance for CFTR-Related Disorders. Last evaluated: 2017-04-28. Review status: criteria provided, single submitter. Criteria: ICSL Variant Classification Criteria 13 December 2019. Collection method: clinical testing. Allele origin: germline.
Comment: This variant was observed as part of a predisposition screen in an ostensibly healthy population. A literature search was performed for the gene, cDNA change, and amino acid change (where applicable). Publications were found based on this search. However, the evidence from the literature, in combination with allele frequency data from public databases where available, was not sufficient to rule this variant in or out of causing disease. Therefore, this variant is classified as a variant of unknown significance.

Natera, Inc.
Classification: Uncertain significance for Cystic Fibrosis. Last evaluated: 2020-09-16. Review status: no assertion criteria provided. Collection method: clinical testing. Allele origin: germline. Not counted in ClinVar's aggregate classification.

Counsyl
Classification: Uncertain significance for Cystic fibrosis. Last evaluated: 2018-05-09. Review status: no assertion criteria provided. Collection method: clinical testing. Allele origin: unknown. Not counted in ClinVar's aggregate classification.

Literature cited by the submitters: PubMed 16126774 (cited by 3 submitters); PubMed 12007216 (cited by Women's Health and Genetics/Laboratory Corporation of America, LabCorp); PubMed 7541510 (cited by 5 submitters); PubMed 15084222 (cited by 5 submitters); PubMed 19885835 (cited by 5 submitters); PubMed 16801189 (cited by 3 submitters); PubMed 19897426 (cited by 4 submitters); PubMed 15536480 (cited by Women's Health and Genetics/Laboratory Corporation of America, LabCorp and Quest Diagnostics Nichols Institute San Juan Capistrano); PubMed 16251901 (cited by Women's Health and Genetics/Laboratory Corporation of America, LabCorp and Quest Diagnostics Nichols Institute San Juan Capistrano); PubMed 23276700 (cited by 6 submitters); PubMed 11504857 (cited by Women's Health and Genetics/Laboratory Corporation of America, LabCorp); PubMed 24813944 (cited by Women's Health and Genetics/Laboratory Corporation of America, LabCorp); PubMed 25087612 (cited by Women's Health and Genetics/Laboratory Corporation of America, LabCorp and Illumina Laboratory Services, Illumina); PubMed 25274949 (cited by Women's Health and Genetics/Laboratory Corporation of America, LabCorp); PubMed 25735457 (cited by Women's Health and Genetics/Laboratory Corporation of America, LabCorp); PubMed 25869325 (cited by 5 submitters); PubMed 25910067 (cited by 3 submitters); PubMed 26755536 (cited by Women's Health and Genetics/Laboratory Corporation of America, LabCorp and Johns Hopkins Genomics, Johns Hopkins University); PubMed 28544683 (cited by 3 submitters); PubMed 25880441 (cited by Women's Health and Genetics/Laboratory Corporation of America, LabCorp); PubMed 28603918 (cited by 3 submitters); PubMed 28801929 (cited by Women's Health and Genetics/Laboratory Corporation of America, LabCorp); PubMed 31672438 (cited by Women's Health and Genetics/Laboratory Corporation of America, LabCorp); PubMed 32357917 (cited by Women's Health and Genetics/Laboratory Corporation of America, LabCorp and Quest Diagnostics Nichols Institute San Juan Capistrano); PubMed 31847883 (cited by Women's Health and Genetics/Laboratory Corporation of America, LabCorp and Quest Diagnostics Nichols Institute San Juan Capistrano); PubMed 34405919 (cited by Women's Health and Genetics/Laboratory Corporation of America, LabCorp and Quest Diagnostics Nichols Institute San Juan Capistrano); PubMed 34996830 (cited by Women's Health and Genetics/Laboratory Corporation of America, LabCorp and Quest Diagnostics Nichols Institute San Juan Capistrano); PubMed 34740355 (cited by Women's Health and Genetics/Laboratory Corporation of America, LabCorp); PubMed 35072004 (cited by Women's Health and Genetics/Laboratory Corporation of America, LabCorp); PubMed 38388235 (cited by Women's Health and Genetics/Laboratory Corporation of America, LabCorp); PubMed 17407489 (cited by Women's Health and Genetics/Laboratory Corporation of America, LabCorp and Quest Diagnostics Nichols Institute San Juan Capistrano); PubMed 37628659 (cited by Women's Health and Genetics/Laboratory Corporation of America, LabCorp and Johns Hopkins Genomics, Johns Hopkins University); PubMed 39532587 (cited by Women's Health and Genetics/Laboratory Corporation of America, LabCorp); PubMed 14629779 (cited by Women's Health and Genetics/Laboratory Corporation of America, LabCorp); PubMed 39062716 (cited by Women's Health and Genetics/Laboratory Corporation of America, LabCorp); PubMed 19652440 (cited by Quest Diagnostics Nichols Institute San Juan Capistrano and Illumina Laboratory Services, Illumina); PubMed 24269240 (cited by Counsyl).